The following is an entry in ClinVar:

ClinVar aggregate classification (germline): Pathogenic/Likely pathogenic. Review status: criteria provided, multiple submitters, no conflicts (2 of 4 stars). 6 submissions from 6 submitters: Pathogenic (1); Likely pathogenic (5). Last evaluated 2025-10-21.

Conditions:
3-methylcrotonyl-CoA carboxylase 2 deficiency. Also called: 3 alpha methylcrotonyl-CoA carboxylase 2 deficiency; 3 alpha methylcrotonylglycinuria 2; MCC 2 deficiency; Methylcrotonylglycinuria type 2; METHYLCROTONYLGLYCINURIA, TYPE II. Identifiers: Orphanet 6, MedGen C1859499, MONDO:0008862, OMIM 210210.

Submissions (6):

Labcorp Genetics (formerly Invitae), Labcorp
Classification: Pathogenic for 3-methylcrotonyl-CoA carboxylase 2 deficiency. Last evaluated: 2025-10-21. Review status: criteria provided, single submitter. Criteria: Invitae Variant Classification Sherloc (09022015). Collection method: clinical testing. Allele origin: germline.
Comment: This variant, c.351_353del, results in the deletion of 1 amino acid(s) of the MCCC2 protein (p.Gly118del), but otherwise preserves the integrity of the reading frame. This variant is present in population databases (rs758794885, gnomAD 0.06%). This variant has been observed in individual(s) with 3-methylcrotonyl-CoA carboxylase deficiency (PMID: 22642865). ClinVar contains an entry for this variant (Variation ID: 1324702). Algorithms developed to predict the effect of variants on gene product structure and function are not available or were not evaluated for this variant. Experimental studies have shown that this variant affects MCCC2 function (PMID: 22642865). For these reasons, this variant has been classified as Pathogenic.

Natera, Inc.
Classification: Likely pathogenic for 3-methylcrotonyl-CoA carboxylase 2 deficiency. Last evaluated: 2025-10-09. Review status: criteria provided, single submitter. Criteria: Natera Variant Classification Schema (03/2026). Collection method: clinical testing. Allele origin: germline.
Comment: The c.351_353delTGG variant in MCCC2 is an in-frame deletion predicted to remove glycine at amino acid 118 while preserving the reading frame. This variant is rare in the general population with a frequency below the threshold expected for the associated phenotype(s). This variant has been observed in one or more individuals affected with the associated recessive disease, as either homozygous or compound heterozygous with a second variant (PMID: 39188588, 30904546, 25356967). This variant is observed in a repetitive region. Computational prediction algorithms indicate this variant is likely to affect gene or protein function. Given the available evidence, this variant is classified as Likely Pathogenic.

Myriad Genetics, Inc.
Classification: Likely pathogenic for 3-methylcrotonyl-CoA carboxylase 2 deficiency. Last evaluated: 2025-04-29. Review status: criteria provided, single submitter. Criteria: Myriad Autosomal Dominant, Autosomal Recessive and X-Linked Classification Criteria (2023). Collection method: clinical testing. Allele origin: unknown.
Comment: NM_022132.4(MCCC2):c.351_353delTGG(G118del) is an in-frame deletion classified as likely pathogenic in the context of 3-methylcrotonyl-CoA carboxylase deficiency, MCC2-related. G118del has been observed in cases with relevant disease (PMID: 22642865, 30904546, 39188588). Relevant functional assessments of this variant are available in the literature (PMID: 22642865). G118del has been observed in referenced population frequency databases. In summary, NM_022132.4(MCCC2):c.351_353delTGG(G118del) is an in-frame deletion that has been observed more frequently in cases with the relevant disease than in healthy populations. Please note: this variant was assessed in the context of healthy population screening.

GeneDx
Classification: Likely pathogenic. Last evaluated: 2024-10-28. Review status: criteria provided, single submitter. Criteria: GeneDx Variant Classification Process June 2021. Collection method: clinical testing. Allele origin: germline. Affected: yes.
Comment: Published functional studies suggest this variant is associated with reduced MCCC2 protein expression (PMID: 22642865); In-frame deletion of 1 amino acid in a non-repeat region; In silico analysis supports a deleterious effect on protein structure/function; This variant is associated with the following publications: (PMID: 37491516, 22642865)

Fulgent Genetics
Classification: Likely pathogenic for 3-methylcrotonyl-CoA carboxylase 2 deficiency. Last evaluated: 2024-06-12. Review status: criteria provided, single submitter. Criteria: ACMG Guidelines, 2015. Collection method: clinical testing. Allele origin: germline.

Revvity Omics, Revvity
Classification: Likely pathogenic for 3-methylcrotonyl-CoA carboxylase 2 deficiency. Last evaluated: 2020-08-10. Review status: criteria provided, single submitter. Criteria: ACMG Guidelines, 2015. Collection method: clinical testing. Allele origin: germline.

Literature cited by the submitters: PubMed 22642865 (cited by Labcorp Genetics (formerly Invitae), Labcorp and Myriad Genetics, Inc.); PubMed 39188588 (cited by Natera, Inc. and Myriad Genetics, Inc.); PubMed 30904546 (cited by Natera, Inc. and Myriad Genetics, Inc.); PubMed 25356967 (cited by Natera, Inc.).

NM_022132.5(MCCC2):c.351_353del (p.Gly118del)

Gene: MCCC2 (methylcrotonyl-CoA carboxylase subunit 2; plus strand). Cytogenetic location: 5q13.2.
Variant type: Deletion.
Coding change: c.351_353del on transcript NM_022132.5 (MANE Select); coding-DNA positions 351 to 353, 3 bases deleted (TGG; older notation c.351_353delTGG).
Protein change: p.Gly118del; deletes glycine 118.
Molecular consequence: inframe deletion.
Genome position (GRCh38, 1-based): chr5:71,599,728-71,599,730, TGG deleted; deleting any 3 consecutive bases within chr5:71,599,726-71,599,730 gives the same sequence; the c. name uses the placement nearest the transcript's 3' end. VCF-style (leftmost placement, unchanged base first): chr5-71599725-AGGT-A. GRCh37 (hg19) VCF-style: chr5-70895552-AGGT-A.
Other names: c.351_353del (NM_022132.4); c.351_353del, p.Gly118del (NM_001363147.1); c.351_353delTGG (NM_022132.4); short protein forms G118del.
Identifiers: ClinVar variation 1324702 (VCV001324702.13), dbSNP rs758794885, ClinGen allele CA3297744.